The following is an entry in ClinVar:

ClinVar aggregate classification (germline): Conflicting classifications of pathogenicity. Review status: criteria provided, conflicting classifications (1 of 4 stars). 2 submissions from 2 submitters: Likely pathogenic (1); Uncertain significance (1). Last evaluated 2025-07-08.

Conditions:
Cortical dysplasia-focal epilepsy syndrome (PTHSL1). Also called: Pitt-Hopkins-like syndrome 1. Identifiers: Orphanet 163681, Orphanet 221150, MedGen C2750246, MONDO:0012400, OMIM 610042.

Submissions (2):

Labcorp Genetics (formerly Invitae), Labcorp
Classification: Likely pathogenic for Cortical dysplasia-focal epilepsy syndrome. Last evaluated: 2025-07-08. Review status: criteria provided, single submitter. Criteria: Invitae Variant Classification Sherloc (09022015). Collection method: clinical testing. Allele origin: germline.
Comment: This sequence change is expected to alter the c-terminus of the CNTNAP2 protein (p.Glu1324Glyfs*16). While this is not anticipated to result in nonsense mediated decay, it is expected to disrupt the last 8 amino acid(s) of the CNTNAP2 protein and extend the protein by 7 additional amino acid residues. This variant is present in population databases (rs757043221, gnomAD 0.003%). This frameshift has been observed in individual(s) with clinical features of CNTNAP2-related conditions (internal data). In at least one individual the data is consistent with being in trans (on the opposite chromosome) from a pathogenic variant. It has also been observed to segregate with disease in related individuals. ClinVar contains an entry for this variant (Variation ID: 451490). In summary, the currently available evidence indicates that the variant is pathogenic, but additional data are needed to prove that conclusively. Therefore, this variant has been classified as Likely Pathogenic.

GeneDx
Classification: Uncertain significance. Last evaluated: 2017-08-16. Review status: criteria provided, single submitter. Criteria: GeneDx Variant Classification (06012015). Collection method: clinical testing. Allele origin: germline. Affected: yes.
Comment: A variant of uncertain significance has been identified in the CNTNAP2 gene. The c.3922_3970dup49 variant has not been published as a pathogenic variant, nor has it been reported as a benign variant to our knowledge. The c.3922_3970dup49 variant is not observed in large population cohorts (Lek et al., 2016; 1000 Genomes Consortium et al., 2015; Exome Variant Server). The c.3922_3970dup49 variant causes a frameshift starting with codon Glutamic acid 1324, changes this amino acid to a Glycine residue and creates a premature Stop codon at position 16 of the new reading frame, denoted p.Glu1324GlyfsX16. This variant is predicted to cause loss of normal protein function either through protein truncation as the last 8 amino acid residues are replaced with 15 aberrant residues; however, loss-of-function variants have not been reported downstream of this position in the protein.

NM_014141.6(CNTNAP2):c.3922_3970dup (p.Glu1324delinsGlyArgArgHisHisGluGlnArgProGlnLeuHisArgAspHisTer)

Gene: CNTNAP2 (contactin associated protein 2; plus strand). Cytogenetic location: 7q36.1.
Variant type: Duplication.
Coding change: c.3922_3970dup on transcript NM_014141.6 (MANE Select); coding-DNA positions 3922 to 3970, 49 bases duplicated.
Protein change: p.Glu1324delinsGlyArgArgHisHisGluGlnArgProGlnLeuHisArgAspHisTer.
Molecular consequence: nonsense.
Genome position (GRCh38, 1-based): chr7:148,415,542-148,415,590, 49 bases duplicated; duplicating any 49 consecutive bases within chr7:148,415,541-148,415,590 gives the same sequence; the c. name uses the placement nearest the transcript's 3' end. GRCh37 (hg19): chr7:148,112,634-148,112,682.
Other names: c.3922_3970dupGACGCCGCCATCATGAACAACGACCCCAACTTCACAGAGACCATTGATG (NM_014141.5).
Identifiers: ClinVar variation 451490 (VCV000451490.11), dbSNP rs757043221, ClinGen allele CA4546844.
Genomic context (GRCh38, chr7:148,415,540, plus strand): 5'-TCCGCCACAAGGGCACCTACCATACCAACGAAGCAAAGGGGGCGGAGTCGGCAGAGAGCG[C>CGGACGCCGCCATCATGAACAACGACCCCAACTTCACAGAGACCATTGAT]GGACGCCGCCATCATGAACAACGACCCCAACTTCACAGAGACCATTGATGAAAGCAAAAA-3'